The following is an entry in ClinVar:

ClinVar aggregate classification (germline): Uncertain significance (1 of 4 stars; one submission).

gnomAD v4.1: 2 of 1,152,777 alleles (0.00017%); highest among the groups gnomAD compares: Non-Finnish European, 0.00023%; 1 homozygote.

Submission:

GeneDx
Classification: Uncertain significance. Last evaluated: 2024-12-11. Review status: criteria provided, single submitter. Criteria: GeneDx Variant Classification Process June 2021. Collection method: clinical testing. Allele origin: germline. Affected: yes.
Comment: Not observed at significant frequency in large population cohorts (gnomAD); In silico analysis indicates that this missense variant does not alter protein structure/function; Has not been previously published as pathogenic or benign to our knowledge

NM_001379110.1(SLC9A6):c.-57+57T>A

Genes: SLC9A6 (solute carrier family 9 member A6; plus strand), LOC130068746 (ATAC-STARR-seq lymphoblastoid silent region 21025; plus strand). Cytogenetic location: Xq26.3.
Variant type: single nucleotide variant.
Coding change: c.-57+57T>A on transcript NM_001379110.1 (MANE Select); 57 bases into the intron after 57 bases upstream of the start codon, T replaced by A.
Molecular consequence: intron variant. On other transcripts: missense variant (2).
Genome position (GRCh38, 1-based): chrX:135,985,534, T>A. VCF-style: chrX-135985534-T-A. GRCh37 (hg19) VCF-style: chrX-135067693-T-A.
Other names: c.32T>A, p.Leu11His (NM_001042537.2, NM_006359.3); c.-35-90T>A (NM_001400909.1); c.-56-69T>A (NM_001400910.1, NM_001400911.1); c.-57+57T>A (NM_001177651.2, NM_001400913.1); c.-57+62T>A (NM_001400912.1, NM_001330652.2); short protein forms L11H.
Identifiers: ClinVar variation 3903199 (VCV003903199.1).